The following is an entry in ClinVar:

NM_001105206.3(LAMA4):c.1669-7del

Gene: LAMA4 (laminin subunit alpha 4; minus strand). Cytogenetic location: 6q21.
Variant type: Deletion.
Coding change: c.1669-7del on transcript NM_001105206.3 (MANE Select); 7 bases into the intron before coding-DNA position 1669, one base deleted (T; older notation c.1669-7delT).
Molecular consequence: intron variant.
Genome position (GRCh38, 1-based): chr6:112,158,887, A deleted on the plus strand (T on the coding strand, the reverse complement: LAMA4 is on the minus strand); the first of 7 consecutive A bases (chr6:112,158,887-112,158,893); deleting any one gives the same sequence. VCF-style (leftmost placement, unchanged base first): chr6-112158886-GA-G. GRCh37 (hg19) VCF-style: chr6-112480088-GA-G.
Other names: c.1648-7del (LRG_433t2, NM_002290.5, NM_001105207.3); c.1669-7delT (NM_001105206.3).
Identifiers: ClinVar variation 239112 (VCV000239112.16), dbSNP rs531072297, ClinGen allele CA3965702.

ClinVar aggregate classification (germline): Benign/Likely benign. Review status: criteria provided, multiple submitters, no conflicts (2 of 4 stars). 4 submissions from 4 submitters: Benign (2); Likely benign (1). 1 of the submissions does not count toward it. Last evaluated 2026-05-18.

Conditions:
Dilated cardiomyopathy 1JJ (CMD1JJ). Identifiers: Orphanet 154, MedGen C3808935, MONDO:0014095, OMIM 615235.
LAMA4-related disorder. Also called: LAMA4-related condition.

Submissions (4):

Women's Health and Genetics/Laboratory Corporation of America, LabCorp
Classification: Benign. Last evaluated: 2026-05-18. Review status: criteria provided, single submitter. Criteria: LabCorp Variant Classification Summary - May 2015. Collection method: clinical testing. Allele origin: germline.

Labcorp Genetics (formerly Invitae), Labcorp
Classification: Benign for Dilated cardiomyopathy 1JJ. Last evaluated: 2025-12-29. Review status: criteria provided, single submitter. Criteria: Invitae Variant Classification Sherloc (09022015). Collection method: clinical testing. Allele origin: germline.

GeneDx
Classification: Likely benign. Last evaluated: 2022-10-25. Review status: criteria provided, single submitter. Criteria: GeneDx Variant Classification Process June 2021. Collection method: clinical testing. Allele origin: germline. Affected: yes.
Comment: See Variant Classification Assertion Criteria.

PreventionGenetics, part of Exact Sciences
Classification: Likely benign for LAMA4-related condition. Last evaluated: 2019-08-12. Review status: no assertion criteria provided. Collection method: clinical testing. Allele origin: germline. Not counted in ClinVar's aggregate classification.
Comment: This variant is classified as likely benign based on ACMG/AMP sequence variant interpretation guidelines (Richards et al. 2015 PMID: 25741868, with internal and published modifications).